The following is an entry in ClinVar:

ClinVar aggregate classification (germline): Pathogenic (1 of 4 stars; one submission).

Conditions:
Hereditary cancer-predisposing syndrome. Also called: Hereditary Cancer Syndrome; Neoplastic Syndromes, Hereditary; Hereditary neoplastic syndrome; Tumor predisposition. Identifiers: Orphanet 140162, MedGen C0027672, MeSH D009386, MONDO:0015356.

Submission:

Ambry Genetics
Classification: Pathogenic for Hereditary cancer-predisposing syndrome. Last evaluated: 2016-11-10. Review status: criteria provided, single submitter. Criteria: Ambry Variant Classification Scheme 2023. Collection method: clinical testing. Allele origin: germline.
Comment: The c.4285delT pathogenic mutation, located in coding exon 22 of the DICER1 gene, results from a deletion of one nucleotide at nucleotide position 4285, causing a translational frameshift with a predicted alternate stop codon. This alteration is expected to result in loss of function by premature protein truncation or nonsense-mediated mRNA decay. As such, this alteration is interpreted as a disease-causing mutation.

NM_177438.3(DICER1):c.4285del (p.Trp1429fs)

Gene: DICER1 (dicer 1, ribonuclease III; minus strand). Cytogenetic location: 14q32.13.
Variant type: Deletion.
Coding change: c.4285del on transcript NM_177438.3 (MANE Select); coding-DNA position 4285, one base deleted (T; older notation c.4285delT).
Protein change: p.Trp1429fs; shifts the reading frame from tryptophan 1429.
Molecular consequence: frameshift variant.
Genome position (GRCh38, 1-based): chr14:95,096,635, A deleted on the plus strand (T on the coding strand, the reverse complement: DICER1 is on the minus strand). VCF-style (leftmost placement, unchanged base first): chr14-95096634-CA-C. GRCh37 (hg19) VCF-style: chr14-95562971-CA-C.
Other names: c.4285del, p.Trp1429fs (NM_001195573.1, NM_001271282.3, NM_001291628.2 and 1 more transcripts); c.4285delT (NM_177438.2); short protein forms W1429fs.
Identifiers: ClinVar variation 429153 (VCV000429153.5), dbSNP rs1131691222, ClinGen allele CA645369613.